The following is an entry in ClinVar:

NM_133433.4(NIPBL):c.412_413delinsCT (p.Ala138Leu)

Gene: NIPBL (NIPBL cohesin loading factor; plus strand). Cytogenetic location: 5p13.2.
Variant type: Indel.
Coding change: c.412_413delinsCT on transcript NM_133433.4 (MANE Select); coding-DNA positions 412 to 413, GC replaced by CT.
Protein change: p.Ala138Leu; replaces alanine 138 with leucine.
Molecular consequence: missense variant.
Genome position (GRCh38, 1-based): chr5:36,961,537-36,961,538, GC replaced by CT. VCF-style: chr5-36961537-GC-CT. GRCh37 (hg19) VCF-style: chr5-36961639-GC-CT.
Other names: c.412_413delinsCT, p.Ala138Leu (NM_015384.5); short protein forms A138L.
Identifiers: ClinVar variation 3592223 (VCV003592223.2).

ClinVar aggregate classification (germline): Uncertain significance. Review status: criteria provided, multiple submitters, no conflicts (2 of 4 stars). 2 submissions from 2 submitters: Uncertain significance (2). Last evaluated 2025-12-05.

Conditions:
Cornelia de Lange syndrome 1 (CDLS1). Also called: TYPUS DEGENERATIVUS AMSTELODAMENSIS; Brachmann de Lange syndrome; NIPBL-Related Cornelia de Lange Syndrome. Identifiers: Orphanet 199, MedGen C4551851, MONDO:0007387, OMIM 122470.

Submissions (2):

Labcorp Genetics (formerly Invitae), Labcorp
Classification: Uncertain significance for Cornelia de Lange syndrome 1. Last evaluated: 2025-12-05. Review status: criteria provided, single submitter. Criteria: Invitae Variant Classification Sherloc (09022015). Collection method: clinical testing. Allele origin: germline.
Comment: This sequence change replaces alanine, which is neutral and non-polar, with leucine, which is neutral and non-polar, at codon 138 of the NIPBL protein (p.Ala138Leu). This variant is present in population databases (no rsID available, gnomAD 0.001%). This variant has not been reported in the literature in individuals affected with NIPBL-related conditions. ClinVar contains an entry for this variant (Variation ID: 3592223). An algorithm developed to predict the effect of missense changes on protein structure and function (PolyPhen-2) suggests that this variant is likely to be tolerated. In summary, the available evidence is currently insufficient to determine the role of this variant in disease. Therefore, it has been classified as a Variant of Uncertain Significance.

Fulgent Genetics
Classification: Uncertain significance for Cornelia de Lange syndrome 1. Last evaluated: 2024-04-12. Review status: criteria provided, single submitter. Criteria: ACMG Guidelines, 2015. Collection method: clinical testing. Allele origin: germline.